The following is an entry in ClinVar:

ClinVar aggregate classification (germline): Uncertain significance (1 of 4 stars; one submission).

gnomAD v4.1: 1 of 1,602,532 alleles (0.000062%); highest among the groups gnomAD compares: Non-Finnish European, 0.000085%; no homozygotes.

Submission:

Ambry Genetics
Classification: Uncertain significance. Last evaluated: 2023-12-14. Review status: criteria provided, single submitter. Criteria: Ambry Variant Classification Scheme 2023. Collection method: clinical testing. Allele origin: germline.
Comment: The p.H91Y variant (also known as c.271C>T), located in coding exon 4 of the NPAT gene, results from a C to T substitution at nucleotide position 271. The histidine at codon 91 is replaced by tyrosine, an amino acid with similar properties. This amino acid position is conserved. In addition, this alteration is predicted to be tolerated by in silico analysis. Since supporting evidence is limited at this time, the clinical significance of this alteration remains unclear.

NM_002519.3(NPAT):c.271C>T (p.His91Tyr)

Gene: NPAT (nuclear protein, coactivator of histone transcription; minus strand). Cytogenetic location: 11q22.3.
Variant type: single nucleotide variant.
Coding change: c.271C>T on transcript NM_002519.3 (MANE Select); coding-DNA position 271, C replaced by T.
Protein change: p.His91Tyr; replaces histidine 91 with tyrosine.
Molecular consequence: missense variant.
Genome position (GRCh38, 1-based): chr11:108,192,137, G>A on the plus strand (C>T on the coding strand, the complement: NPAT is on the minus strand). VCF-style: chr11-108192137-G-A. GRCh37 (hg19) VCF-style: chr11-108062864-G-A.
Other names: c.271C>T, p.His91Tyr (NM_001321307.1); short protein forms H91Y.
Identifiers: ClinVar variation 3222549 (VCV003222549.1), dbSNP rs2078176027, ClinGen allele CA382526563.
Genomic context (GRCh38, chr11:108,192,137, plus strand): 5'-TGCATTCCAAAATCATTAGGCACATTCTAATAGCTTATTACCTGATCTGAGAAAGTGTAT[G>A]GTCCAATTTCTTCCATAGAGATGACATTATTGCTGGGACATTATTTGATGTTTCTAAATC-3'
Protein context (NP_002510.2, residues 81-101): IMSSLWKKLD[His91Tyr]TLSQIRSMQS